The following is an entry in ClinVar:

NM_147127.5(EVC2):c.2046+1G>T

Gene: EVC2 (EvC ciliary complex subunit 2; minus strand). Cytogenetic location: 4p16.2.
Variant type: single nucleotide variant.
Coding change: c.2046+1G>T on transcript NM_147127.5 (MANE Select); the canonical splice donor site of the intron after coding-DNA position 2046, G replaced by T.
Molecular consequence: splice donor variant.
Genome position (GRCh38, 1-based): chr4:5,625,748, C>A on the plus strand (G>T on the coding strand, the complement: EVC2 is on the minus strand). VCF-style: chr4-5625748-C-A. GRCh37 (hg19) VCF-style: chr4-5627475-C-A.
Other names: c.1806+1G>T (NM_001166136.2).
Identifiers: ClinVar variation 553922 (VCV000553922.11), dbSNP rs762947212, ClinGen allele CA2834855.

ClinVar aggregate classification (germline): Likely pathogenic. Review status: criteria provided, single submitter (1 of 4 stars). 2 submissions from 2 submitters: Likely pathogenic (1). 1 of the submissions does not count toward it. Last evaluated 2026-01-22.

Conditions:
Curry-Hall syndrome (WAD). Also called: WEYERS ACRODENTAL DYSOSTOSIS. Identifiers: Orphanet 952, MedGen C0457013, MONDO:0008673, OMIM 193530.
Ellis-van Creveld syndrome (EVC). Also called: EVC2-Related Ellis-van Creveld Syndrome; EVC-Related Ellis-van Creveld Syndrome; MESOECTODERMAL DYSPLASIA; Chondroectodermal dysplasia. Identifiers: Orphanet 289, MedGen C0013903, MONDO:0009162, OMIM 225500.

gnomAD v4.1: 4 of 1,614,110 alleles (0.00025%); highest among the groups gnomAD compares: Non-Finnish European, 0.00034%; no homozygotes.

Submissions (2):

Labcorp Genetics (formerly Invitae), Labcorp
Classification: Likely pathogenic for Curry-Hall syndrome; Ellis-van Creveld syndrome. Last evaluated: 2026-01-22. Review status: criteria provided, single submitter. Criteria: Invitae Variant Classification Sherloc (09022015). Collection method: clinical testing. Allele origin: germline.
Comment: This sequence change affects a donor splice site in intron 13 of the EVC2 gene. It is expected to disrupt RNA splicing. Variants that disrupt the donor or acceptor splice site typically lead to a loss of protein function (PMID: 16199547), and loss-of-function variants in EVC2 are known to be pathogenic (PMID: 17024374, 19810119, 19876929). This variant is present in population databases (rs762947212, gnomAD 0.003%). This variant has not been reported in the literature in individuals affected with EVC2-related conditions. ClinVar contains an entry for this variant (Variation ID: 553922). Algorithms developed to predict the effect of sequence changes on RNA splicing suggest that this variant may disrupt the consensus splice site. In summary, the currently available evidence indicates that the variant is pathogenic, but additional data are needed to prove that conclusively. Therefore, this variant has been classified as Likely Pathogenic.

Counsyl
Classification: Likely pathogenic for Ellis-van Creveld syndrome. Last evaluated: 2017-09-20. Review status: no assertion criteria provided. Collection method: clinical testing. Allele origin: unknown. Not counted in ClinVar's aggregate classification.

Literature cited by the submitters: PubMed 16199547 (cited by Labcorp Genetics (formerly Invitae), Labcorp); PubMed 17024374 (cited by Labcorp Genetics (formerly Invitae), Labcorp); PubMed 19810119 (cited by Labcorp Genetics (formerly Invitae), Labcorp); PubMed 19876929 (cited by Labcorp Genetics (formerly Invitae), Labcorp).